The following is an entry in ClinVar:

NM_000677.4(ADORA3):c.196A>G (p.Met66Val)

Genes: ADORA3 (adenosine A3 receptor; minus strand), TMIGD3 (transmembrane and immunoglobulin domain containing 3; minus strand). Cytogenetic location: 1p13.2.
Variant type: single nucleotide variant.
Coding change: c.196A>G on transcript NM_000677.4 (MANE Select); coding-DNA position 196, A replaced by G.
Protein change: p.Met66Val; replaces methionine 66 with valine.
Molecular consequence: missense variant. On other transcripts: intron variant (3).
Genome position (GRCh38, 1-based): chr1:111,503,159, T>C on the plus strand (A>G on the coding strand, the complement: ADORA3 is on the minus strand). VCF-style: chr1-111503159-T-C. GRCh37 (hg19) VCF-style: chr1-112045781-T-C.
Other names: c.196A>G, p.Met66Val (NM_001302678.2, NM_020683.7); c.108-14292A>G (NM_001302680.2); c.108-12397A>G (NM_001081976.3); c.-86+340A>G (NM_001302679.2); short protein forms M66V.
Identifiers: ClinVar variation 4978396 (VCV004978396.1).

ClinVar aggregate classification (germline): Uncertain significance (1 of 4 stars; one submission).

Conditions:
ADORA3-related disorder. Also called: ADORA3-related condition.

gnomAD v4.1: 1 of 1,614,248 alleles (0.000062%); highest among the groups gnomAD compares: Non-Finnish European, 0.000085%; no homozygotes.

Submission:

PreventionGenetics, part of Exact Sciences
Classification: Uncertain significance for ADORA3-related condition. Last evaluated: 2026-04-16. Review status: criteria provided, single submitter. Criteria: ACMG Guidelines, 2015. Collection method: clinical testing. Allele origin: germline.
Comment: The ADORA3 c.196A>G variant is predicted to result in the amino acid substitution p.Met66Val. To our knowledge, this variant has not been reported in the literature or in a large population database (gnomAD), indicating this variant is rare. At this time, the clinical significance of this variant is uncertain due to the absence of conclusive functional and genetic evidence.